The following is an entry in ClinVar:

NM_000557.5(GDF5):c.103C>A (p.Pro35Thr)

Gene: GDF5 (growth differentiation factor 5; minus strand). Cytogenetic location: 20q11.22.
Variant type: single nucleotide variant.
Coding change: c.103C>A on transcript NM_000557.5 (MANE Select); coding-DNA position 103, C replaced by A.
Protein change: p.Pro35Thr; replaces proline 35 with threonine.
Molecular consequence: missense variant.
Genome position (GRCh38, 1-based): chr20:35,437,826, G>T on the plus strand (C>A on the coding strand, the complement: GDF5 is on the minus strand). VCF-style: chr20-35437826-G-T. GRCh37 (hg19) VCF-style: chr20-34025606-G-T.
Other names: c.103C>A, p.Pro35Thr (NM_001319138.2); short protein forms P35T.
Identifiers: ClinVar variation 4702289 (VCV004702289.1).
Genomic context (GRCh38, chr20:35,437,826, plus strand): 5'-GGGCCAGGGGGGGCCTCTCCTTGGCCTCTGCTTTGGCCAATCCTGGCCTGGTCCCCTGGG[G>T]TCTCTGGCCCAAGTCAGGGGCACCCAACACAGTGCAGATGAATTCCAGGTCCAGCCAAGC-3'
Protein context (NP_000548.2, residues 25-45): VLGAPDLGQR[Pro35Thr]QGTRPGLAKA

ClinVar aggregate classification (germline): Uncertain significance (1 of 4 stars; one submission).

gnomAD v4.1: 1 of 1,613,802 alleles (0.000062%); highest among the groups gnomAD compares: Admixed American, 0.0017%; no homozygotes.

Submission:

Labcorp Genetics (formerly Invitae), Labcorp
Classification: Uncertain significance. Last evaluated: 2025-07-30. Review status: criteria provided, single submitter. Criteria: Invitae Variant Classification Sherloc (09022015). Collection method: clinical testing. Allele origin: germline.
Comment: This sequence change replaces proline, which is neutral and non-polar, with threonine, which is neutral and polar, at codon 35 of the GDF5 protein (p.Pro35Thr). This variant is present in population databases (no rsID available, gnomAD no frequency). This variant has not been reported in the literature in individuals affected with GDF5-related conditions. An algorithm developed to predict the effect of missense changes on protein structure and function outputs the following: PolyPhen-2: "Benign". The threonine amino acid residue is found in multiple mammalian species, which suggests that this missense change does not adversely affect protein function. In summary, the available evidence is currently insufficient to determine the role of this variant in disease. Therefore, it has been classified as a Variant of Uncertain Significance.